The following is an entry in ClinVar:

ClinVar aggregate classification (germline): Conflicting classifications of pathogenicity. Review status: criteria provided, conflicting classifications (1 of 4 stars). 5 submissions from 5 submitters: Uncertain significance (1); Likely benign (4). Last evaluated 2026-03-09.

Conditions:
Hereditary cancer-predisposing syndrome. Also called: Tumor predisposition; Hereditary Cancer Syndrome; Neoplastic Syndromes, Hereditary; Hereditary neoplastic syndrome. Identifiers: Orphanet 140162, MedGen C0027672, MeSH D009386, MONDO:0015356.
Hereditary diffuse gastric adenocarcinoma (HDGC). Also called: DIFFUSE GASTRIC AND LOBULAR BREAST CANCER SYNDROME. Identifiers: Orphanet 26106, MedGen C1708349, MONDO:0007648, OMIM 137215.

Allele frequency attached by ClinVar (database versions not stated): TOPMed 0.00001; gnomAD exomes below 0.00001.
gnomAD v4.1: 3 of 1,497,268 alleles (0.0002%); highest among the groups gnomAD compares: Non-Finnish European, 0.00027%; no homozygotes.

Submissions (5):

Ambry Genetics
Classification: Likely benign for Hereditary cancer-predisposing syndrome. Last evaluated: 2026-03-09. Review status: criteria provided, single submitter. Criteria: Ambry Variant Classification Scheme 2023. Collection method: clinical testing. Allele origin: germline.

Labcorp Genetics (formerly Invitae), Labcorp
Classification: Likely benign for Hereditary diffuse gastric adenocarcinoma. Last evaluated: 2025-11-09. Review status: criteria provided, single submitter. Criteria: Invitae Variant Classification Sherloc (09022015). Collection method: clinical testing. Allele origin: germline.

Myriad Genetics, Inc.
Classification: Likely benign for Hereditary diffuse gastric adenocarcinoma. Last evaluated: 2024-09-10. Review status: criteria provided, single submitter. Criteria: Myriad Autosomal Dominant, Autosomal Recessive and X-Linked Classification Criteria (2023). Collection method: clinical testing. Allele origin: unknown.
Comment: This variant is considered likely benign. This variant is intronic and is not expected to impact mRNA splicing.

Department of Human Genetics, Hannover Medical School
Classification: Uncertain significance for Hereditary diffuse gastric adenocarcinoma. Last evaluated: 2024-06-10. Review status: criteria provided, single submitter. Criteria: ACMG Guidelines, 2015. Collection method: clinical testing. Allele origin: germline. Affected: yes.

Color Diagnostics, LLC DBA Color Health
Classification: Likely benign for Hereditary cancer-predisposing syndrome. Last evaluated: 2016-05-24. Review status: criteria provided, single submitter. Criteria: ACMG Guidelines, 2015. Collection method: clinical testing. Allele origin: germline.

NM_004360.5(CDH1):c.49-19T>C

Gene: CDH1 (cadherin 1; plus strand). Cytogenetic location: 16q22.1.
Variant type: single nucleotide variant.
Coding change: c.49-19T>C on transcript NM_004360.5 (MANE Select); 19 bases into the intron before coding-DNA position 49, T replaced by C.
Molecular consequence: intron variant.
Genome position (GRCh38, 1-based): chr16:68,738,278, T>C. VCF-style: chr16-68738278-T-C. GRCh37 (hg19) VCF-style: chr16-68772181-T-C.
Other names: c.-1567-19T>C (NM_001317185.2); c.-1771-19T>C (NM_001317186.2); c.49-19T>C (NM_001317184.2, NM_004360.3).
Identifiers: ClinVar variation 491545 (VCV000491545.15), dbSNP rs1555509751, ClinGen allele CA658683943.